The following is an entry in ClinVar:

ClinVar aggregate classification (germline): Uncertain significance (1 of 4 stars; one submission).

Submission:

Labcorp Genetics (formerly Invitae), Labcorp
Classification: Uncertain significance. Last evaluated: 2025-12-23. Review status: criteria provided, single submitter. Criteria: Invitae Variant Classification Sherloc (09022015). Collection method: clinical testing. Allele origin: germline.
Comment: This sequence change creates a premature translational stop signal (p.Ser136Glufs*113) in the IRF2BP2 gene. It is expected to result in an absent or disrupted protein product. However, the current clinical and genetic evidence is not sufficient to establish whether loss-of-function variants in IRF2BP2 cause disease. This variant is not present in population databases (gnomAD no frequency). This variant has not been reported in the literature in individuals affected with IRF2BP2-related conditions. ClinVar contains an entry for this variant (Variation ID: 2766054). In summary, the available evidence is currently insufficient to determine the role of this variant in disease. Therefore, it has been classified as a Variant of Uncertain Significance.

NM_182972.3(IRF2BP2):c.406_419del (p.Ser136fs)

Genes: IRF2BP2 (interferon regulatory factor 2 binding protein 2; minus strand), LOC129932812 (ATAC-STARR-seq lymphoblastoid silent region 1977; plus strand). Cytogenetic location: 1q42.3.
Variant type: Deletion.
Coding change: c.406_419del on transcript NM_182972.3 (MANE Select); coding-DNA positions 406 to 419, 14 bases deleted (AGCCGCCCGGCAGC).
Protein change: p.Ser136fs; shifts the reading frame from serine 136.
Molecular consequence: frameshift variant.
Genome position (GRCh38, 1-based): chr1:234,609,076-234,609,089, GCTGCCGGGCGGCT deleted on the plus strand (AGCCGCCCGGCAGC on the coding strand, the reverse complement: IRF2BP2 is on the minus strand); deleting any 14 consecutive bases within chr1:234,609,076-234,609,096 gives the same sequence; the c. name uses the placement nearest the transcript's 3' end. VCF-style (leftmost placement, unchanged base first): chr1-234609075-CGCTGCCGGGCGGCT-C. GRCh37 (hg19) VCF-style: chr1-234744821-CGCTGCCGGGCGGCT-C.
Other names: c.406_419del, p.Ser136fs (NM_001077397.1); short protein forms S136fs.
Identifiers: ClinVar variation 2766054 (VCV002766054.3), dbSNP rs2528522049, ClinGen allele CA2697554979.
Genomic context (GRCh38, chr1:234,609,075, plus strand): 5'-GTTGGGCACCAGGATGCCGTTCACGGGCGGCGGCTGCGGCGTCGGCGGCTGGGCCAGGCT[CGCTGCCGGGCGGCT>C]GCTGCCGAAGTCAGAGCCGAGGCGCGGGGGCCTCTCGGCCGCGGCCGCCAACGGGTAGCG-3'